The following is an entry in ClinVar:

NM_001626.6(AKT2):c.1006del (p.Leu336fs)

Gene: AKT2 (AKT serine/threonine kinase 2; minus strand). Cytogenetic location: 19q13.2.
Variant type: Deletion.
Coding change: c.1006del on transcript NM_001626.6 (MANE Select); coding-DNA position 1006, one base deleted (C; older notation c.1006delC).
Protein change: p.Leu336fs; shifts the reading frame from leucine 336.
Molecular consequence: frameshift variant.
Genome position (GRCh38, 1-based): chr19:40,236,059, G deleted on the plus strand (C on the coding strand, the reverse complement: AKT2 is on the minus strand). VCF-style (leftmost placement, unchanged base first): chr19-40236058-AG-A. GRCh37 (hg19) VCF-style: chr19-40741965-AG-A.
Other names: c.820del, p.Leu274fs (NM_001243027.3, NM_001243028.3); c.877del, p.Leu293fs (NM_001330511.1); short protein forms L293fs, L336fs, L274fs.
Identifiers: ClinVar variation 4794822 (VCV004794822.1).

ClinVar aggregate classification (germline): Uncertain significance (1 of 4 stars; one submission).

Conditions:
Hypoinsulinemic hypoglycemia and body hemihypertrophy. Also called: Hypoinsulinemic hypoglycemia and hemihypertrophy. Identifiers: Orphanet 293964, MedGen C3278384, MONDO:0009416, OMIM 240900.
Type 2 diabetes mellitus. Also called: Type II diabetes mellitus. Identifiers: MedGen C0011860, MeSH D003924, MONDO:0005148, OMIM 125853, HP:0005978.

Submission:

Labcorp Genetics (formerly Invitae), Labcorp
Classification: Uncertain significance for Hypoinsulinemic hypoglycemia and body hemihypertrophy; Type 2 diabetes mellitus. Last evaluated: 2025-08-23. Review status: criteria provided, single submitter. Criteria: Invitae Variant Classification Sherloc (09022015). Collection method: clinical testing. Allele origin: germline.
Comment: This sequence change creates a premature translational stop signal (p.Leu336Trpfs*8) in the AKT2 gene. It is expected to result in an absent or disrupted protein product. However, the current clinical and genetic evidence is not sufficient to establish whether loss-of-function variants in AKT2 cause disease. This variant is not present in population databases (gnomAD no frequency). This variant has not been reported in the literature in individuals affected with AKT2-related conditions. Algorithms developed to predict the effect of sequence changes on RNA splicing suggest that this variant may create or strengthen a splice site. In summary, the available evidence is currently insufficient to determine the role of this variant in disease. Therefore, it has been classified as a Variant of Uncertain Significance.